The following is an entry in ClinVar:

NM_003476.5(CSRP3):c.508G>C (p.Val170Leu)

Gene: CSRP3 (cysteine and glycine rich protein 3; minus strand). Cytogenetic location: 11p15.1.
Variant type: single nucleotide variant.
Coding change: c.508G>C on transcript NM_003476.5 (MANE Select); coding-DNA position 508, G replaced by C.
Protein change: p.Val170Leu; replaces valine 170 with leucine.
Molecular consequence: missense variant.
Genome position (GRCh38, 1-based): chr11:19,184,952, C>G on the plus strand (G>C on the coding strand, the complement: CSRP3 is on the minus strand). VCF-style: chr11-19184952-C-G. GRCh37 (hg19) VCF-style: chr11-19206499-C-G.
Other names: c.339G>C, p.Lys113Asn (NM_001369404.1); short protein forms K113N, V170L.
Identifiers: ClinVar variation 3762192 (VCV003762192.2).
Genomic context (GRCh38, chr11:19,184,952, plus strand): 5'-CCTCTCCCAAGGGCCCTTTTAGGGAAAACATATTTCAAGAAAGTCTCCAGAATCACTCAC[C>G]TTTGCAATAAAGTTCCCCATCTTTGTCAGTGACATTTGTGGACTCCAGACTCTTCCCACA-3'
Protein context (NP_003467.1, residues 160-180): TDKDGELYCK[Val170Leu]CYAKNFGPTG

ClinVar aggregate classification (germline): Uncertain significance (1 of 4 stars; one submission).

Conditions:
Dilated cardiomyopathy 1M (CMD1M). Identifiers: Orphanet 154, MedGen C1843808, MONDO:0011840, OMIM 607482.
Hypertrophic cardiomyopathy 12. Identifiers: MedGen C2677491, MONDO:0012804, OMIM 612124.

gnomAD v4.1: 13 of 1,607,776 alleles (0.00081%); highest among the groups gnomAD compares: South Asian, 0.011%; 1 homozygote.

Submission:

Labcorp Genetics (formerly Invitae), Labcorp
Classification: Uncertain significance for Hypertrophic cardiomyopathy 12; Dilated cardiomyopathy 1M. Last evaluated: 2025-07-27. Review status: criteria provided, single submitter. Criteria: Invitae Variant Classification Sherloc (09022015). Collection method: clinical testing. Allele origin: germline.
Comment: This sequence change replaces valine, which is neutral and non-polar, with leucine, which is neutral and non-polar, at codon 170 of the CSRP3 protein (p.Val170Leu). This variant also falls at the last nucleotide of exon 6, which is part of the consensus splice site for this exon. This variant is present in population databases (rs757433657, gnomAD 0.006%). This variant has not been reported in the literature in individuals affected with CSRP3-related conditions. ClinVar contains an entry for this variant (Variation ID: 3762192). An algorithm developed to predict the effect of missense changes on protein structure and function (PolyPhen-2) suggests that this variant is likely to be disruptive. Variants that disrupt the consensus splice site are a relatively common cause of aberrant splicing (PMID: 17576681, 9536098). In summary, the available evidence is currently insufficient to determine the role of this variant in disease. Therefore, it has been classified as a Variant of Uncertain Significance.

Literature cited by the submitters: PubMed 17576681; PubMed 9536098.